The following is an entry in ClinVar:

ClinVar aggregate classification (germline): Uncertain significance (1 of 4 stars; one submission).

Allele frequency attached by ClinVar (database versions not stated): gnomAD exomes 0.00001.
gnomAD v4.1: 7 of 1,613,504 alleles (0.00043%); highest among the groups gnomAD compares: Non-Finnish European, 0.00059%; no homozygotes.

Submission:

GeneDx
Classification: Uncertain significance. Last evaluated: 2023-02-16. Review status: criteria provided, single submitter. Criteria: GeneDx Variant Classification Process June 2021. Collection method: clinical testing. Allele origin: germline. Affected: yes.
Comment: Not observed at significant frequency in large population cohorts (gnomAD); In silico analysis supports that this missense variant does not alter protein structure/function; Has not been previously published as pathogenic or benign to our knowledge

NM_016284.5(CNOT1):c.1297A>G (p.Ile433Val)

Gene: CNOT1 (CCR4-NOT transcription complex subunit 1; minus strand). Cytogenetic location: 16q21.
Variant type: single nucleotide variant.
Coding change: c.1297A>G on transcript NM_016284.5 (MANE Select); coding-DNA position 1297, A replaced by G.
Protein change: p.Ile433Val; replaces isoleucine 433 with valine.
Molecular consequence: missense variant. On other transcripts: non-coding transcript variant (1).
Genome position (GRCh38, 1-based): chr16:58,580,679, T>C on the plus strand (A>G on the coding strand, the complement: CNOT1 is on the minus strand). VCF-style: chr16-58580679-T-C. GRCh37 (hg19) VCF-style: chr16-58614583-T-C.
Other names: c.1297A>G, p.Ile433Val (NM_001265612.2, NM_206999.3); short protein forms I433V.
Identifiers: ClinVar variation 2576689 (VCV002576689.1), dbSNP rs2544075749, ClinGen allele CA396146164.